The following is an entry in ClinVar:

ClinVar aggregate classification (germline): Benign (0 of 4 stars; one submission).

Conditions:
OGDHL-related disorder. Also called: OGDHL-related condition.

Allele frequency attached by ClinVar (database versions not stated): gnomAD 0.00040; ExAC 0.00069; 1000 Genomes Project 30x 0.00109; 1000 Genomes Project 0.00140.
gnomAD v4.1: 608 of 1,613,592 alleles (0.038%); highest among the groups gnomAD compares: East Asian, 1.1%; 5 homozygotes.

Submission:

PreventionGenetics, part of Exact Sciences
Classification: Benign for OGDHL-related condition. Last evaluated: 2019-12-09. Review status: no assertion criteria provided. Collection method: clinical testing. Allele origin: germline.
Comment: This variant is classified as benign based on ACMG/AMP sequence variant interpretation guidelines (Richards et al. 2015 PMID: 25741868, with internal and published modifications).

NM_018245.3(OGDHL):c.1889C>T (p.Ala630Val)

Gene: OGDHL (oxoglutarate dehydrogenase L; minus strand). Cytogenetic location: 10q11.23.
Variant type: single nucleotide variant.
Coding change: c.1889C>T on transcript NM_018245.3 (MANE Select); coding-DNA position 1889, C replaced by T.
Protein change: p.Ala630Val; replaces alanine 630 with valine.
Molecular consequence: missense variant. On other transcripts: non-coding transcript variant (5).
Genome position (GRCh38, 1-based): chr10:49,742,951, G>A on the plus strand (C>T on the coding strand, the complement: OGDHL is on the minus strand). VCF-style: chr10-49742951-G-A. GRCh37 (hg19) VCF-style: chr10-50950997-G-A.
Other names: c.1718C>T, p.Ala573Val (NM_001143996.2, NM_001347820.1); c.1262C>T, p.Ala421Val (NM_001143997.2, NM_001347821.2, NM_001347822.1); c.1889C>T, p.Ala630Val (NM_001347819.1); c.1709C>T, p.Ala570Val (NM_001347823.1, NM_001347824.2); c.1082C>T, p.Ala361Val (NM_001347825.2); c.692C>T, p.Ala231Val (NM_001347826.1); short protein forms A231V, A361V, A421V, A570V, A573V, A630V.
Identifiers: ClinVar variation 3048533 (VCV003048533.2), dbSNP rs141335151, ClinGen allele CA5498376.
Genomic context (GRCh38, chr10:49,742,951, plus strand): 5'-GAGCCAAAGGCCATGTACTCTGCCAACGCCCAGTCCACCGTCCGGTTCTTGGTCATGTCC[G>A]CACGGCCCCGCAGAATGCGAGAGAGGCCTGTGGGAAAGGAGTGCTGGCCTGAGGGCCAAG-3'
Protein context (NP_060715.2, residues 620-640): TGLSRILRGR[Ala630Val]DMTKNRTVDW